The following is an entry in ClinVar:

NM_021098.3(CACNA1H):c.2360G>A (p.Arg787His)

Gene: CACNA1H (calcium voltage-gated channel subunit alpha1 H; plus strand). Cytogenetic location: 16p13.3.
Variant type: single nucleotide variant.
Coding change: c.2360G>A on transcript NM_021098.3 (MANE Select); coding-DNA position 2360, G replaced by A.
Protein change: p.Arg787His; replaces arginine 787 with histidine.
Molecular consequence: missense variant.
Genome position (GRCh38, 1-based): chr16:1,204,367, G>A. VCF-style: chr16-1204367-G-A. GRCh37 (hg19) VCF-style: chr16-1254367-G-A.
Other names: c.2360G>A, p.Arg787His (NM_001005407.2); short protein forms R787H.
Identifiers: ClinVar variation 1981458 (VCV001981458.6), dbSNP rs368917321, ClinGen allele CA7800218.

ClinVar aggregate classification (germline): Uncertain significance. Review status: criteria provided, multiple submitters, no conflicts (2 of 4 stars). 2 submissions from 2 submitters: Uncertain significance (2). Last evaluated 2025-06-12.

Conditions:
Idiopathic generalized epilepsy. Also called: Generalised epilepsy; EIG. Identifiers: MedGen C0270850, MONDO:0005579, OMIM 600669.
Hyperaldosteronism, familial, type IV (HALD4). Also called: FH IV; ALDOSTERONISM, PRIMARY, AND HYPERTENSION. Identifiers: Orphanet 642671, MedGen C4310756, MONDO:0014875, OMIM 617027.

Allele frequency attached by ClinVar (database versions not stated): gnomAD 0.00001; ExAC 0.00002; ESP Exome Variant Server 0.00008; TOPMed 0.00002.
gnomAD v4.1: 21 of 1,571,716 alleles (0.0013%); highest among the groups gnomAD compares: African/African-American, 0.0027%; no homozygotes.

Submissions (2):

Labcorp Genetics (formerly Invitae), Labcorp
Classification: Uncertain significance for Idiopathic generalized epilepsy; Hyperaldosteronism, familial, type IV. Last evaluated: 2025-06-12. Review status: criteria provided, single submitter. Criteria: Invitae Variant Classification Sherloc (09022015). Collection method: clinical testing. Allele origin: germline.
Comment: This sequence change replaces arginine, which is basic and polar, with histidine, which is basic and polar, at codon 787 of the CACNA1H protein (p.Arg787His). This variant is present in population databases (rs368917321, gnomAD 0.007%). This variant has not been reported in the literature in individuals affected with CACNA1H-related conditions. ClinVar contains an entry for this variant (Variation ID: 1981458). Invitae Evidence Modeling of protein sequence and biophysical properties (such as structural, functional, and spatial information, amino acid conservation, physicochemical variation, residue mobility, and thermodynamic stability) indicates that this missense variant is not expected to disrupt CACNA1H protein function with a negative predictive value of 80%. In summary, the available evidence is currently insufficient to determine the role of this variant in disease. Therefore, it has been classified as a Variant of Uncertain Significance.

Center for Genomic Medicine, Rigshospitalet, Copenhagen University Hospital
Classification: Uncertain significance. Last evaluated: 2025-03-04. Review status: criteria provided, single submitter. Criteria: ACMG Guidelines, 2015. Collection method: clinical testing. Allele origin: germline.